The following is an entry in ClinVar:

ClinVar aggregate classification (germline): Uncertain significance (1 of 4 stars; one submission).

gnomAD v4.1: 2 of 1,614,156 alleles (0.00012%); highest among the groups gnomAD compares: Non-Finnish European, 0.000085%; no homozygotes.

Submission:

Ambry Genetics
Classification: Uncertain significance. Last evaluated: 2025-03-14. Review status: criteria provided, single submitter. Criteria: Ambry Variant Classification Scheme 2023. Collection method: clinical testing. Allele origin: germline.
Comment: The p.D182E variant (also known as c.546C>G), located in coding exon 6 of the A2ML1 gene, results from a C to G substitution at nucleotide position 546. The aspartic acid at codon 182 is replaced by glutamic acid, an amino acid with highly similar properties. This amino acid position is conserved. In addition, this alteration is predicted to be tolerated by in silico analysis. Based on the available evidence, the clinical significance of this variant remains unclear.

NM_144670.6(A2ML1):c.546C>G (p.Asp182Glu)

Gene: A2ML1 (alpha-2-macroglobulin like 1; plus strand). Cytogenetic location: 12p13.31.
Variant type: single nucleotide variant.
Coding change: c.546C>G on transcript NM_144670.6 (MANE Select); coding-DNA position 546, C replaced by G.
Protein change: p.Asp182Glu; replaces aspartic acid 182 with glutamic acid.
Molecular consequence: missense variant.
Genome position (GRCh38, 1-based): chr12:8,835,569, C>G. VCF-style: chr12-8835569-C-G. GRCh37 (hg19) VCF-style: chr12-8988165-C-G.
Other names: short protein forms D182E.
Identifiers: ClinVar variation 3837767 (VCV003837767.1).